The following is an entry in ClinVar:

NM_000372.4(TYR):c.[1276_1282delATGGTTC];[139G>A]

Variant type: CompoundHeterozygote.
Identifiers: ClinVar variation 424730 (VCV000424730.2).

ClinVar aggregate classification (germline): Likely pathogenic (1 of 4 stars; one submission).

Conditions:
Oculocutaneous albinism type 1A (OCA1A). Also called: Albinism, oculocutaneous, type IA. Identifiers: Orphanet 352731, Orphanet 79431, MedGen C4551504, MONDO:0008745, OMIM 203100. Disease mechanism: loss of function.

Submission:

Science and Research Branch, Islamic Azad University, Islamic Azad University
Classification: Likely pathogenic for OCA1A. Last evaluated: 2015-02-05. Review status: criteria provided, single submitter. Criteria: Submitter's publication. Collection method: clinical testing. Allele origin: paternal. Affected: yes. Observed: 1 variant allele.